The following is an entry in ClinVar:

ClinVar aggregate classification (germline): Benign (1 of 4 stars; one submission).

Conditions:
Brachydactyly. Also called: Brachydactyly (disease); Brachydactyly syndrome. Identifiers: MedGen C0221357, MONDO:0021004, HP:0001156.

Allele frequency attached by ClinVar (database versions not stated): gnomAD 0.00149 and 0.00162; 1000 Genomes Project 30x 0.00156; TOPMed 0.00167; 1000 Genomes Project 0.00180.

Submission:

Illumina Laboratory Services, Illumina
Classification: Benign for Brachydactyly. Last evaluated: 2018-01-13. Review status: criteria provided, single submitter. Criteria: ICSL Variant Classification Criteria 13 December 2019. Collection method: clinical testing. Allele origin: germline.
Comment: This variant was observed in the ICSL laboratory as part of a predisposition screen in an ostensibly healthy population. It had not been previously curated by ICSL or reported in the Human Gene Mutation Database (HGMD: prior to June 1st, 2018), and was therefore a candidate for classification through an automated scoring system. Utilizing variant allele frequency, disease prevalence and penetrance estimates, and inheritance mode, an automated score was calculated to assess if this variant is too frequent to cause the disease. Based on the score and internal cut-off values, a variant classified as benign is not then subjected to further curation. The score for this variant resulted in a classification of benign for this disease.

NM_001203.3(BMPR1B):c.*1371A>G

Gene: BMPR1B (bone morphogenetic protein receptor type 1B; plus strand). Cytogenetic location: 4q22.3.
Variant type: single nucleotide variant.
Coding change: c.*1371A>G on transcript NM_001203.3 (MANE Select); 1371 bases downstream of the stop codon, A replaced by G.
Molecular consequence: 3 prime UTR variant.
Genome position (GRCh38, 1-based): chr4:95,156,044, A>G. VCF-style: chr4-95156044-A-G. GRCh37 (hg19) VCF-style: chr4-96077195-A-G.
Other names: c.*1371A>G (NM_001256792.2, NM_001256793.2, NM_001256794.1).
Identifiers: ClinVar variation 905144 (VCV000905144.4), dbSNP rs542105565, ClinGen allele CA101682822.